The following is an entry in ClinVar:

NM_004937.3(CTNS):c.367A>G (p.Ile123Val)

Genes: CTNS (cystinosin, lysosomal cystine transporter; plus strand), CTNS-AS1 (CTNS antisense RNA 1; minus strand). Cytogenetic location: 17p13.2.
Variant type: single nucleotide variant.
Coding change: c.367A>G on transcript NM_004937.3 (MANE Select); coding-DNA position 367, A replaced by G.
Protein change: p.Ile123Val; replaces isoleucine 123 with valine.
Molecular consequence: missense variant. On other transcripts: 5 prime UTR variant (4).
Genome position (GRCh38, 1-based): chr17:3,655,258, A>G. VCF-style: chr17-3655258-A-G. GRCh37 (hg19) VCF-style: chr17-3558552-A-G.
Other names: c.367A>G, p.Ile123Val (NM_001031681.3, NM_001374492.1); c.-75A>G (NM_001374493.1, NM_001374494.1, NM_001374495.1 and 1 more transcripts); short protein forms I123V.
Identifiers: ClinVar variation 1511707 (VCV001511707.5), dbSNP rs776104111, ClinGen allele CA8291700.
Genomic context (GRCh38, chr17:3,655,258, plus strand): 5'-CCGGTCCCCAAACTCCTTTCCAGCCCGAGGATACGCTTTCTTGTGATCCGCAGCAGCGCC[A>G]TTAGCATCATAAACCAGGTGATTGGCTGGATCTACTTTGTGGCCTGGTCCATCTCCTTCT-3'
Protein context (NP_004928.2, residues 113-133): IRFLVIRSSA[Ile123Val]SIINQVIGWI

ClinVar aggregate classification (germline): Uncertain significance (1 of 4 stars; one submission).

Conditions:
Inborn genetic diseases. Identifiers: MedGen C0950123, MeSH D030342.
Juvenile nephropathic cystinosis. Also called: Later-Onset (Juvenile) Cystinosis; Intermediate Cystinosis; CYSTINOSIS, LATE-ONSET JUVENILE OR ADOLESCENT NEPHROPATHIC TYPE. Identifiers: Orphanet 213, Orphanet 411634, MedGen C0268626, MONDO:0009066, OMIM 219900.
Ocular cystinosis. Also called: Non-Nephropathic (Ocular) Cystinosis; Non-Nephropathic Cystinosis. Identifiers: Orphanet 213, Orphanet 411641, MedGen C2931013, MONDO:0009064, OMIM 219750.

Allele frequency attached by ClinVar (database versions not stated): gnomAD exomes below 0.00001 and 0.00001; ExAC 0.00001.
gnomAD v4.1: 6 of 1,614,212 alleles (0.00037%); highest among the groups gnomAD compares: Admixed American, 0.005%; no homozygotes.

Submission:

Labcorp Genetics (formerly Invitae), Labcorp
Classification: Uncertain significance for Inborn genetic diseases; Ocular cystinosis; Juvenile nephropathic cystinosis. Last evaluated: 2021-12-02. Review status: criteria provided, single submitter. Criteria: Invitae Variant Classification Sherloc (09022015). Collection method: clinical testing. Allele origin: germline.
Comment: This sequence change replaces isoleucine, which is neutral and non-polar, with valine, which is neutral and non-polar, at codon 123 of the CTNS protein (p.Ile123Val). This variant is present in population databases (rs776104111, gnomAD 0.003%). This variant has not been reported in the literature in individuals affected with CTNS-related conditions. Advanced modeling of protein sequence and biophysical properties (such as structural, functional, and spatial information, amino acid conservation, physicochemical variation, residue mobility, and thermodynamic stability) performed at Invitae indicates that this missense variant is not expected to disrupt CTNS protein function. In summary, the available evidence is currently insufficient to determine the role of this variant in disease. Therefore, it has been classified as a Variant of Uncertain Significance.